The following is an entry in ClinVar:

ClinVar aggregate classification (germline): Likely benign (0 of 4 stars; one submission).

Conditions:
DEPDC5-related disorder. Also called: DEPDC5-related related disorder; DEPDC5-related condition.

Submission:

PreventionGenetics, part of Exact Sciences
Classification: Likely benign for DEPDC5-related condition. Last evaluated: 2021-06-17. Review status: no assertion criteria provided. Collection method: clinical testing. Allele origin: germline.
Comment: This variant is classified as likely benign based on ACMG/AMP sequence variant interpretation guidelines (Richards et al. 2015 PMID: 25741868, with internal and published modifications).

NM_001242896.3(DEPDC5):c.4746C>T (p.Asn1582=)

Gene: DEPDC5 (DEP domain containing 5, GATOR1 subcomplex subunit; plus strand). Cytogenetic location: 22q12.3.
Variant type: single nucleotide variant.
Coding change: c.4746C>T on transcript NM_001242896.3 (MANE Select); coding-DNA position 4746, C replaced by T.
Protein change: p.Asn1582=; no amino-acid change (asparagine 1582 retained).
Molecular consequence: synonymous variant. On other transcripts: non-coding transcript variant (5).
Genome position (GRCh38, 1-based): chr22:31,906,431, C>T. VCF-style: chr22-31906431-C-T. GRCh37 (hg19) VCF-style: chr22-32302417-C-T.
Other names: c.4719C>T, p.Asn1573= (NM_001136029.4); c.4446C>T, p.Asn1482= (NM_001242897.2); c.4680C>T, p.Asn1560= (NM_001363852.2, NM_001364320.2); c.4512C>T, p.Asn1504= (NM_001363854.2, NM_001364319.2); c.4746C>T, p.Asn1582= (NM_001364318.2); c.4662C>T, p.Asn1554= (NM_001369901.1, NM_001369902.1); c.4653C>T, p.Asn1551= (NM_001369903.1, NM_014662.6).
Identifiers: ClinVar variation 3055944 (VCV003055944.2), dbSNP rs2523602955, ClinGen allele CA514273411.
Genomic context (GRCh38, chr22:31,906,431, plus strand): 5'-CACAGGGGATGAAAAGTTTGCTGATCGGCTGCTGAAGGACTTCACGGACTTCTGCATCAA[C>T]CGTGACAACCGGCTGGTCACGTTCTGGACAAGTTGCCTGGAGAAGATGCATGCCAGTGCC-3'
Protein context (NP_001229825.1, residues 1572-1592): LLKDFTDFCI[Asn1582=]RDNRLVTFWT